The following is an entry in ClinVar:

NM_000350.3(ABCA4):c.2915C>T (p.Thr972Ile)

Gene: ABCA4 (ATP binding cassette subfamily A member 4; minus strand). Cytogenetic location: 1p22.1.
Variant type: single nucleotide variant.
Coding change: c.2915C>T on transcript NM_000350.3 (MANE Select); coding-DNA position 2915, C replaced by T.
Protein change: p.Thr972Ile; replaces threonine 972 with isoleucine.
Molecular consequence: missense variant.
Genome position (GRCh38, 1-based): chr1:94,046,922, G>A on the plus strand (C>T on the coding strand, the complement: ABCA4 is on the minus strand). VCF-style: chr1-94046922-G-A. GRCh37 (hg19) VCF-style: chr1-94512478-G-A.
Other names: c.2915C>T (NM_000350.2); c.2693C>T, p.Thr898Ile (NM_001425324.1); short protein forms T972I, T898I.
Identifiers: ClinVar variation 1472288 (VCV001472288.8), dbSNP rs61749451, ClinGen allele CA958122.

ClinVar aggregate classification (germline): Conflicting classifications of pathogenicity. Review status: criteria provided, conflicting classifications (1 of 4 stars). 3 submissions from 3 submitters: Likely pathogenic (2); Uncertain significance (1). Last evaluated 2025-12-23.

Conditions:
ABCA4-related disorder. Also called: ABCA4-related condition; ABCA4-related disorders. Identifiers: MedGen CN239167.

Allele frequency attached by ClinVar (database versions not stated): ESP Exome Variant Server 0.00008.

Submissions (3):

PreventionGenetics, part of Exact Sciences
Classification: Uncertain significance for ABCA4-related condition. Last evaluated: 2025-12-23. Review status: criteria provided, single submitter. Criteria: ACMG Guidelines, 2015. Collection method: clinical testing. Allele origin: germline.
Comment: The ABCA4 c.2915C>T variant is predicted to result in the amino acid substitution p.Thr972Ile. To our knowledge, this variant has not been previously reported in association with disease. This variant is reported in 0.024% of alleles in individuals of African descent in gnomAD. An alternate amino acid change at this position (p.Thr972Asn) has been reported in individuals with retinal disease (see, for example, supplementary data, Lin et al. 2024. PubMed ID: 38219857). Although we suspect that this variant may be pathogenic, at this time, the clinical significance of this variant is uncertain due to the absence of conclusive functional and genetic evidence.

Labcorp Genetics (formerly Invitae), Labcorp
Classification: Likely pathogenic. Last evaluated: 2024-03-07. Review status: criteria provided, single submitter. Criteria: Invitae Variant Classification Sherloc (09022015). Collection method: clinical testing. Allele origin: germline.
Comment: This sequence change replaces threonine, which is neutral and polar, with isoleucine, which is neutral and non-polar, at codon 972 of the ABCA4 protein (p.Thr972Ile). This variant is present in population databases (rs61749451, gnomAD 0.02%). This variant has not been reported in the literature in individuals affected with ABCA4-related conditions. ClinVar contains an entry for this variant (Variation ID: 1472288). Advanced modeling of protein sequence and biophysical properties (such as structural, functional, and spatial information, amino acid conservation, physicochemical variation, residue mobility, and thermodynamic stability) performed at Invitae indicates that this missense variant is expected to disrupt ABCA4 protein function with a positive predictive value of 95%. This variant disrupts the p.Thr972 amino acid residue in ABCA4. Other variant(s) that disrupt this residue have been determined to be pathogenic (PMID: 28041643, 28559085, 29925512). This suggests that this residue is clinically significant, and that variants that disrupt this residue are likely to be disease-causing. In summary, the currently available evidence indicates that the variant is pathogenic, but additional data are needed to prove that conclusively. Therefore, this variant has been classified as Likely Pathogenic.

Blueprint Genetics
Classification: Likely pathogenic for ABCA4-related disorders. Last evaluated: 2023-10-19. Review status: criteria provided, single submitter. Criteria: ACMG Guidelines, 2015. Collection method: clinical testing. Allele origin: germline. Affected: yes. Observed: 5 variant alleles.

Literature cited by the submitters: PubMed 28041643 (cited by Labcorp Genetics (formerly Invitae), Labcorp); PubMed 28559085 (cited by Labcorp Genetics (formerly Invitae), Labcorp); PubMed 29925512 (cited by Labcorp Genetics (formerly Invitae), Labcorp).